The following is an entry in ClinVar:

NM_032380.5(GFM2):c.2029-741_2029-521dup

Gene: GFM2 (GTP dependent ribosome recycling factor mitochondrial 2; minus strand). Cytogenetic location: 5q13.3.
Variant type: Duplication.
Coding change: c.2029-741_2029-521dup on transcript NM_032380.5 (MANE Select); 741 bases into the intron before coding-DNA position 2029 through 521 bases into the intron before coding-DNA position 2029, 221 bases duplicated.
Molecular consequence: intron variant.
Genome position (GRCh38, 1-based): chr5:74,723,082-74,723,302, 221 bases duplicated. GRCh37 (hg19): chr5:74,018,908-74,019,128.
Other names: c.1888-741_1888-521dup (NM_170691.3); c.2125-741_2125-521dup (NM_001281302.2).
Identifiers: ClinVar variation 4755560 (VCV004755560.1).

ClinVar aggregate classification (germline): Likely pathogenic (1 of 4 stars; one submission).

Submission:

Hadassah Hebrew University Medical Center
Classification: Likely pathogenic. Review status: criteria provided, single submitter. Criteria: ACMG Guidelines, 2015. Collection method: clinical testing. Allele origin: germline. Inheritance: Autosomal recessive inheritance. Affected: yes.
Comment: Heterozygous duplication affecting splicing, inherited in trans to SNV, in individuals with Leigh disease